The following is an entry in ClinVar:

ClinVar aggregate classification (germline): Uncertain significance (1 of 4 stars; one submission).

Conditions:
Dyskeratosis congenita, autosomal recessive 5 (DKCB5). Identifiers: MedGen C3554656, MONDO:0014076, OMIM 615190.
Pulmonary fibrosis and/or bone marrow failure, Telomere-related, 3. Also called: PULMONARY FIBROSIS AND/OR BONE MARROW FAILURE SYNDROME, TELOMERE-RELATED, 3. Identifiers: Orphanet 2032, MedGen C4225346, MONDO:0014613, OMIM 616373.

Submission:

Labcorp Genetics (formerly Invitae), Labcorp
Classification: Uncertain significance for Dyskeratosis congenita, autosomal recessive 5; Pulmonary fibrosis and/or bone marrow failure, Telomere-related, 3. Last evaluated: 2021-10-21. Review status: criteria provided, single submitter. Criteria: Invitae Variant Classification Sherloc (09022015). Collection method: clinical testing. Allele origin: germline.
Comment: This sequence change replaces arginine with leucine at codon 750 of the RTEL1 protein (p.Arg750Leu). The arginine residue is moderately conserved and there is a moderate physicochemical difference between arginine and leucine. This variant is not present in population databases (ExAC no frequency). This variant has not been reported in the literature in individuals affected with RTEL1-related conditions. Algorithms developed to predict the effect of missense changes on protein structure and function are either unavailable or do not agree on the potential impact of this missense change (SIFT: "Deleterious"; PolyPhen-2: "Probably Damaging"; Align-GVGD: "Class C0"). In summary, the available evidence is currently insufficient to determine the role of this variant in disease. Therefore, it has been classified as a Variant of Uncertain Significance.

NM_001283009.2(RTEL1):c.2249G>T (p.Arg750Leu)

Genes: RTEL1 (regulator of telomere elongation helicase 1; plus strand), RTEL1-TNFRSF6B (RTEL1-TNFRSF6B readthrough (NMD candidate); plus strand). Cytogenetic location: 20q13.33.
Variant type: single nucleotide variant.
Coding change: c.2249G>T on transcript NM_001283009.2 (MANE Select); coding-DNA position 2249, G replaced by T.
Protein change: p.Arg750Leu; replaces arginine 750 with leucine.
Molecular consequence: missense variant. On other transcripts: non-coding transcript variant (1).
Genome position (GRCh38, 1-based): chr20:63,690,194, G>T. VCF-style: chr20-63690194-G-T. GRCh37 (hg19) VCF-style: chr20-62321547-G-T.
Other names: c.1580G>T, p.Arg527Leu (NM_001283010.1); c.2249G>T, p.Arg750Leu (NM_016434.4); c.2321G>T, p.Arg774Leu (NM_032957.5); short protein forms R774L, R527L, R750L.
Identifiers: ClinVar variation 1388355 (VCV001388355.6), dbSNP rs758667681, ClinGen allele CA409680000.